The following is an entry in ClinVar:

NM_004517.4(ILK):c.836A>G (p.Asn279Ser)

Genes: ILK (integrin linked kinase; plus strand), TAF10 (TATA-box binding protein associated factor 10; minus strand). Cytogenetic location: 11p15.4.
Variant type: single nucleotide variant.
Coding change: c.836A>G on transcript NM_004517.4 (MANE Select); coding-DNA position 836, A replaced by G.
Protein change: p.Asn279Ser; replaces asparagine 279 with serine.
Molecular consequence: missense variant. On other transcripts: 3 prime UTR variant (1).
Genome position (GRCh38, 1-based): chr11:6,609,619, A>G. VCF-style: chr11-6609619-A-G. GRCh37 (hg19) VCF-style: chr11-6630850-A-G.
Other names: c.836A>G, p.Asn279Ser (NM_001014794.3, NM_001014795.3); c.653A>G, p.Asn218Ser (NM_001278441.2); c.434A>G, p.Asn145Ser (NM_001278442.2); c.*1303T>C (NM_006284.4); short protein forms N279S, N145S, N218S.
Identifiers: ClinVar variation 1360505 (VCV001360505.7), dbSNP rs1855298413, ClinGen allele CA379462715.
Genomic context (GRCh38, chr11:6,609,619, plus strand): 5'-CTCCACCTGCTCCTCATCCTACTCTCATCACACACTGGATGCCGTATGGATCCCTCTACA[A>G]TGTACTACATGAAGGCACCAGTGAGTAGGGATGTTGAATTTCCTTGGGGAGGAAATGGCA-3'
Protein context (NP_004508.1, residues 269-289): THWMPYGSLY[Asn279Ser]VLHEGTNFVV

ClinVar aggregate classification (germline): Uncertain significance (1 of 4 stars; one submission).

Conditions:
Primary familial hypertrophic cardiomyopathy (HCM). Identifiers: Orphanet 99739, MedGen C0949658, MeSH D024741, MONDO:0024573. Inheritance: Various modes of inheritance.

Allele frequency attached by ClinVar (database versions not stated): TOPMed below 0.00001; gnomAD exomes 0.00002.

Submission:

Labcorp Genetics (formerly Invitae), Labcorp
Classification: Uncertain significance for Primary familial hypertrophic cardiomyopathy. Last evaluated: 2021-11-24. Review status: criteria provided, single submitter. Criteria: Invitae Variant Classification Sherloc (09022015). Collection method: clinical testing. Allele origin: germline.
Comment: This variant is not present in population databases (gnomAD no frequency). In summary, the available evidence is currently insufficient to determine the role of this variant in disease. Therefore, it has been classified as a Variant of Uncertain Significance. Algorithms developed to predict the effect of sequence changes on RNA splicing suggest that this variant may create or strengthen a splice site. Algorithms developed to predict the effect of missense changes on protein structure and function are either unavailable or do not agree on the potential impact of this missense change (SIFT: "Deleterious"; PolyPhen-2: "Benign"; Align-GVGD: "Class C45"). This variant has not been reported in the literature in individuals affected with ILK-related conditions. This sequence change replaces asparagine, which is neutral and polar, with serine, which is neutral and polar, at codon 279 of the ILK protein (p.Asn279Ser).